The following is an entry in ClinVar:

NM_001375808.2(LPIN2):c.445C>G (p.Pro149Ala)

Gene: LPIN2 (lipin 2; minus strand). Cytogenetic location: 18p11.31.
Variant type: single nucleotide variant.
Coding change: c.445C>G on transcript NM_001375808.2 (MANE Select); coding-DNA position 445, C replaced by G.
Protein change: p.Pro149Ala; replaces proline 149 with alanine.
Molecular consequence: missense variant.
Genome position (GRCh38, 1-based): chr18:2,951,200, G>C on the plus strand (C>G on the coding strand, the complement: LPIN2 is on the minus strand). VCF-style: chr18-2951200-G-C. GRCh37 (hg19) VCF-style: chr18-2951198-G-C.
Other names: c.445C>G, p.Pro149Ala (NM_001375809.1, NM_014646.2); short protein forms P149A.
Identifiers: ClinVar variation 4748849 (VCV004748849.1).
Genomic context (GRCh38, chr18:2,951,200, plus strand): 5'-CCTTCTTACTGTCCTGTTTGTATTTCTTTCTCCTTCGTTTTTTCTTTTTCACAGAACTTG[G>C]AGTAAAAATTGTCTCTGTTTCCAAGACGTGTGAGATGTCTGAACTCTGAGATGGTGTTTC-3'
Protein context (NP_001362737.1, residues 139-159): HVLETETIFT[Pro149Ala]SSVKKKKRRR

ClinVar aggregate classification (germline): Uncertain significance (1 of 4 stars; one submission).

Conditions:
Majeed syndrome (MJDS). Also called: CHRONIC RECURRENT MULTIFOCAL OSTEOMYELITIS 1, WITH CONGENITAL DYSERYTHROPOIETIC ANEMIA, WITH OR WITHOUT NEUTROPHILIC DERMATOSIS; LPIN2-Related Majeed Syndrome. Identifiers: Orphanet 77297, MedGen C1864997, MONDO:0012316, OMIM 609628.

gnomAD v4.1: 4 of 1,613,950 alleles (0.00025%); highest among the groups gnomAD compares: African/African-American, 0.0053%; no homozygotes.

Submission:

Labcorp Genetics (formerly Invitae), Labcorp
Classification: Uncertain significance for Majeed syndrome. Last evaluated: 2025-03-31. Review status: criteria provided, single submitter. Criteria: Invitae Variant Classification Sherloc (09022015). Collection method: clinical testing. Allele origin: germline.
Comment: This sequence change replaces proline, which is neutral and non-polar, with alanine, which is neutral and non-polar, at codon 149 of the LPIN2 protein (p.Pro149Ala). This variant is present in population databases (rs376661021, gnomAD 0.01%). This variant has not been reported in the literature in individuals affected with LPIN2-related conditions. Invitae Evidence Modeling of protein sequence and biophysical properties (such as structural, functional, and spatial information, amino acid conservation, physicochemical variation, residue mobility, and thermodynamic stability) indicates that this missense variant is not expected to disrupt LPIN2 protein function with a negative predictive value of 80%. In summary, the available evidence is currently insufficient to determine the role of this variant in disease. Therefore, it has been classified as a Variant of Uncertain Significance.